The following is an entry in ClinVar:

NM_001042492.3(NF1):c.1250dup (p.Ile418fs)

Gene: NF1 (neurofibromin 1; plus strand). Cytogenetic location: 17q11.2.
Variant type: Duplication.
Coding change: c.1250dup on transcript NM_001042492.3 (MANE Select); coding-DNA position 1250, one base duplicated (T; older notation c.1250dupT).
Protein change: p.Ile418fs; shifts the reading frame from isoleucine 418.
Molecular consequence: frameshift variant.
Genome position (GRCh38, 1-based): chr17:31,201,475, T duplicated. VCF-style (leftmost placement, unchanged base first): chr17-31201474-A-AT. GRCh37 (hg19) VCF-style: chr17-29528492-A-AT.
Other names: c.1250dup, p.Ile418fs (NM_001128147.3); c.1250dup, p.Ile418Hisfs (NM_000267.4); short protein forms I418fs.
Identifiers: ClinVar variation 2814180 (VCV002814180.3), dbSNP rs2143886864, ClinGen allele CA2739267340.
Genomic context (GRCh38, chr17:31,201,474, plus strand): 5'-TGCCTGGCTCAGAATTCACCTTCTACATTTCACTATGTGCTGGTAAATTCACTCCATCGA[A>AT]TCATCACCAATGTAAGTCCAAAAGGTATTGCTAAATTACTAAAAAAATTTTTTTCTTTCT-3'

ClinVar aggregate classification (germline): Pathogenic (1 of 4 stars; one submission).

Conditions:
Neurofibromatosis, type 1 (NF1). Also called: NEUROFIBROMATOSIS, TYPE I, SOMATIC; Peripheral type neurofibromatosis; VON RECKLINGHAUSEN DISEASE; Neurofibromatosis, type I. Identifiers: Orphanet 636, MedGen C0027831, MONDO:0018975, OMIM 162200. Disease mechanism: loss of function.

Submission:

Labcorp Genetics (formerly Invitae), Labcorp
Classification: Pathogenic for Neurofibromatosis, type 1. Last evaluated: 2022-11-14. Review status: criteria provided, single submitter. Criteria: Invitae Variant Classification Sherloc (09022015). Collection method: clinical testing. Allele origin: germline.
Comment: This sequence change creates a premature translational stop signal (p.Ile418Hisfs*11) in the NF1 gene. It is expected to result in an absent or disrupted protein product. Loss-of-function variants in NF1 are known to be pathogenic (PMID: 10712197, 23913538). This variant is not present in population databases (gnomAD no frequency). This variant has not been reported in the literature in individuals affected with NF1-related conditions. For these reasons, this variant has been classified as Pathogenic.

Literature cited by the submitters: PubMed 10712197; PubMed 23913538.